The following is an entry in ClinVar:

ClinVar aggregate classification (germline): Uncertain significance. Review status: criteria provided, multiple submitters, no conflicts (2 of 4 stars). 2 submissions from 2 submitters: Uncertain significance (2). Last evaluated 2025-04-01.

Conditions:
Primary dilated cardiomyopathy (DCM). Also called: Dilated Cardiomyopathy. Identifiers: Orphanet 217604, MedGen C0007193, MeSH D002311, MONDO:0005021, HP:0001644. Inheritance: Various modes of inheritance.

gnomAD v4.1: 18 of 1,614,000 alleles (0.0011%); highest among the groups gnomAD compares: Non-Finnish European, 0.0015%; no homozygotes.

Submissions (2):

Ambry Genetics
Classification: Uncertain significance. Last evaluated: 2025-04-01. Review status: criteria provided, single submitter. Criteria: Ambry Variant Classification Scheme 2023. Collection method: clinical testing. Allele origin: germline.

Labcorp Genetics (formerly Invitae), Labcorp
Classification: Uncertain significance for Primary dilated cardiomyopathy. Last evaluated: 2025-01-13. Review status: criteria provided, single submitter. Criteria: Invitae Variant Classification Sherloc (09022015). Collection method: clinical testing. Allele origin: germline.
Comment: This sequence change replaces isoleucine, which is neutral and non-polar, with valine, which is neutral and non-polar, at codon 270 of the FHL2 protein (p.Ile270Val). This variant is present in population databases (no rsID available, gnomAD 0.002%). This variant has not been reported in the literature in individuals affected with FHL2-related conditions. Invitae Evidence Modeling of protein sequence and biophysical properties (such as structural, functional, and spatial information, amino acid conservation, physicochemical variation, residue mobility, and thermodynamic stability) indicates that this missense variant is not expected to disrupt FHL2 protein function with a negative predictive value of 80%. In summary, the available evidence is currently insufficient to determine the role of this variant in disease. Therefore, it has been classified as a Variant of Uncertain Significance.

NM_001318895.3(FHL2):c.808A>G (p.Ile270Val)

Genes: C2orf49 (chromosome 2 open reading frame 49; plus strand), FHL2 (four and a half LIM domains 2; minus strand). Cytogenetic location: 2q12.2.
Variant type: single nucleotide variant.
Coding change: c.808A>G on transcript NM_001318895.3 (MANE Select); coding-DNA position 808, A replaced by G.
Protein change: p.Ile270Val; replaces isoleucine 270 with valine.
Molecular consequence: missense variant.
Genome position (GRCh38, 1-based): chr2:105,361,315, T>C on the plus strand (A>G on the coding strand, the complement: FHL2 is on the minus strand). VCF-style: chr2-105361315-T-C. GRCh37 (hg19) VCF-style: chr2-105977772-T-C.
Other names: c.808A>G (NM_201555.1); c.808A>G, p.Ile270Val (NM_001039492.3, NM_001318894.1, NM_001318896.2 and 4 more transcripts); c.466A>G, p.Ile156Val (NM_001318897.2, NM_001318898.2); c.484A>G, p.Ile162Val (NM_001318899.2); short protein forms I270V, I156V, I162V.
Identifiers: ClinVar variation 3707504 (VCV003707504.3).
Genomic context (GRCh38, chr2:105,361,315, plus strand): 5'-CACAAGCAGCAACTTCTCTGTGTTGAATTCAGATGTCTTTCCCACAGTCGGGGCACAGGA[T>C]GTCGTCCCTCTCTGTGAGGAAGCCACGCCCCACCAGTGAGAGGGAGCACTTCTTACAGTT-3'
Protein context (NP_001305824.1, residues 260-279): GRGFLTERDD[Ile270Val]LCPDCGKDI